The following is an entry in ClinVar:

ClinVar aggregate classification (germline): Uncertain significance (1 of 4 stars; one submission).

Conditions:
Fanconi anemia (FA). Also called: Fanconi's anemia. Identifiers: Orphanet 84, MedGen C0015625, MeSH D005199, MONDO:0019391.

Submission:

Labcorp Genetics (formerly Invitae), Labcorp
Classification: Uncertain significance for Fanconi anemia. Last evaluated: 2023-12-08. Review status: criteria provided, single submitter. Criteria: Invitae Variant Classification Sherloc (09022015). Collection method: clinical testing. Allele origin: germline.
Comment: This sequence change replaces leucine, which is neutral and non-polar, with methionine, which is neutral and non-polar, at codon 539 of the FANCD2 protein (p.Leu539Met). This variant is not present in population databases (gnomAD no frequency). This variant has not been reported in the literature in individuals affected with FANCD2-related conditions. Advanced modeling of protein sequence and biophysical properties (such as structural, functional, and spatial information, amino acid conservation, physicochemical variation, residue mobility, and thermodynamic stability) has been performed at Invitae for this missense variant, however the output from this modeling did not meet the statistical confidence thresholds required to predict the impact of this variant on FANCD2 protein function. In summary, the available evidence is currently insufficient to determine the role of this variant in disease. Therefore, it has been classified as a Variant of Uncertain Significance.

NM_001018115.3(FANCD2):c.1615C>A (p.Leu539Met)

Genes: FANCD2 (FA complementation group D2; plus strand), LOC107303338 (3p25 FANCD2 Alu-mediated recombination region; plus strand). Cytogenetic location: 3p25.3.
Variant type: single nucleotide variant.
Coding change: c.1615C>A on transcript NM_001018115.3 (MANE Select); coding-DNA position 1615, C replaced by A.
Protein change: p.Leu539Met; replaces leucine 539 with methionine.
Molecular consequence: missense variant. On other transcripts: intron variant (1).
Genome position (GRCh38, 1-based): chr3:10,052,456, C>A. VCF-style: chr3-10052456-C-A. GRCh37 (hg19) VCF-style: chr3-10094140-C-A.
Other names: c.1615C>A, p.Leu539Met (NM_001319984.2, NM_001374254.1, NM_033084.6); c.1545+2951C>A (NM_001374253.1); short protein forms L539M.
Identifiers: ClinVar variation 2701461 (VCV002701461.3), dbSNP rs2469933054, ClinGen allele CA351740352.